The following is an entry in ClinVar:

NM_002528.7(NTHL1):c.835C>T (p.Gln279Ter)

Gene: NTHL1 (nth like DNA glycosylase 1; minus strand). Cytogenetic location: 16p13.3.
Variant type: single nucleotide variant.
Coding change: c.835C>T on transcript NM_002528.7 (MANE Select); coding-DNA position 835, C replaced by T.
Protein change: p.Gln279Ter; replaces glutamine 279 with a stop codon.
Molecular consequence: nonsense.
Genome position (GRCh38, 1-based): chr16:2,040,004, G>A on the plus strand (C>T on the coding strand, the complement: NTHL1 is on the minus strand). VCF-style: chr16-2040004-G-A. GRCh37 (hg19) VCF-style: chr16-2090005-G-A.
Other names: p.Gln279*; c.835C>T, p.Gln279Ter (LRG_1366t1); c.664C>T, p.Gln222Ter (NM_001318193.2); c.505C>T, p.Gln169Ter (NM_001318194.2); short protein forms Q279*, Q222*, Q169*.
Identifiers: ClinVar variation 620182 (VCV000620182.42), dbSNP rs146347092, ClinGen allele CA7828083.

ClinVar aggregate classification (germline): Pathogenic/Likely pathogenic. Review status: criteria provided, multiple submitters, no conflicts (2 of 4 stars). 12 submissions from 12 submitters: Pathogenic (6); Likely pathogenic (6). Last evaluated 2026-09-10.

Conditions:
Hereditary cancer-predisposing syndrome. Also called: Neoplastic Syndromes, Hereditary; Tumor predisposition; Hereditary neoplastic syndrome; Hereditary Cancer Syndrome. Identifiers: Orphanet 140162, MedGen C0027672, MeSH D009386, MONDO:0015356.
NTHL1-related disorder. Also called: NTHL1-related conditions; NTHL1-related condition.
Familial adenomatous polyposis 3. Also called: NTHL1 Tumor Syndrome; NTHL1-related attenuated familial adenomatous polyposis; NTHL1-associated polyposis; NTHL1-Related Adenomatous Polyposis and Colorectal Cancer. Identifiers: Orphanet 220460, Orphanet 454840, MedGen C4225157, MONDO:0014630, OMIM 616415.

Allele frequency attached by ClinVar (database versions not stated): 1000 Genomes Project 30x 0.00016; gnomAD exomes 0.00018 and 0.00025; ExAC 0.00019; 1000 Genomes Project 0.00020; gnomAD 0.00023 and 0.00026; ESP Exome Variant Server 0.00031; TOPMed 0.00032.
gnomAD v4.1: 413 of 1,611,446 alleles (0.026%); highest among the groups gnomAD compares: African/African-American, 0.048%; no homozygotes.

Submissions 1 to 10 of 12:

PreventionGenetics, part of Exact Sciences
Classification: Pathogenic for NTHL1-related condition. Last evaluated: 2026-09-10. Review status: criteria provided, single submitter. Criteria: ACMG Guidelines, 2015. Collection method: clinical testing. Allele origin: germline.
Comment: The NTHL1 c.859C>T variant is predicted to result in premature protein termination (p.Gln287*). This variant has been reported in either the compound heterozygous state or unknown state with other loss-of-function variants in multiple individuals with NTHL1-associated cancer (Table S4, Chubb et al. 2016. PubMed ID: 27329137; Broderick et al. 2017. PubMed ID: 27713038; Table 1, Grolleman et al. 2019. PubMed ID: 30753826). It has also been reported in the heterozygous state in individuals with breast or ovarian cancer, as well as two control individuals (Table S1, Li et al. 2021. PubMed ID: 33980861). In vitro experimental studies indicate that this variant impacts protein function (Shinmura et al. 2019. PubMed ID: 30552997﻿). This variant is reported in 0.053% of alleles in individuals of African descent in gnomAD and has likely pathogenic/pathogenic interpretations listed in ClinVar regarding its pathogenicity (Variation ID: 620182). Nonsense variants in NTHL1 are expected to be pathogenic. This variant is interpreted as pathogenic.

Labcorp Genetics (formerly Invitae), Labcorp
Classification: Pathogenic. Last evaluated: 2026-01-28. Review status: criteria provided, single submitter. Criteria: Invitae Variant Classification Sherloc (09022015). Collection method: clinical testing. Allele origin: germline.
Comment: This sequence change creates a premature translational stop signal (p.Gln287*) in the NTHL1 gene. While this is not anticipated to result in nonsense mediated decay, it is expected to disrupt the last 26 amino acid(s) of the NTHL1 protein. This variant is present in population databases (rs146347092, gnomAD 0.05%). This premature translational stop signal has been observed in individual(s) with polyposis, colorectal cancer and breast cancer (PMID: 27329137, 28912133, 30753826; internal data). In at least one individual the data is consistent with being in trans (on the opposite chromosome) from a pathogenic variant. This variant is also known as c.835C>T (Gln279*). ClinVar contains an entry for this variant (Variation ID: 620182). Algorithms developed to predict the effect of variants on gene product structure and function are not available or were not evaluated for this variant. Experimental studies have shown that this premature translational stop signal affects NTHL1 function (PMID: 30552997). For these reasons, this variant has been classified as Pathogenic.

Dasa
Classification: Pathogenic. Last evaluated: 2025-08-25. Review status: criteria provided, single submitter. Criteria: DASA Assertion Criteria. Collection method: clinical testing. Allele origin: germline.
Comment: NM_002528.7(NTHL1):c.835C>T (p.Gln279*) introduces a premature stop codon predicted to result in loss of normal protein function. Loss-of-function is an established mechanism of disease for this gene, with recurrent reports in individuals with NTHL1-associated polyposis (PMID: 30552997). Based on the available data, this variant is classified as pathogenic.

GeneDx
Classification: Likely pathogenic. Last evaluated: 2025-08-04. Review status: criteria provided, single submitter. Criteria: GeneDx Variant Classification Process June 2021. Collection method: clinical testing. Allele origin: germline. Affected: yes.
Comment: Nonsense variant in the C-terminus predicted to result in protein truncation, as the last 27 amino acids are lost, disrupting residues within the critical iron-sulfur motifs (PMID: 8990169, 9045706, 9705289); Published functional studies demonstrate defective base excision repair (PMID: 30552997); Observed with a second NTHL1 variant in unrelated patients with NTHL1-associated polyposis-related neoplasms in published literature, however it is not known whether the variants occurred on the same (in cis) or on different (in trans) chromosomes in some cases (PMID: 27329137, 27713038, 30753826, 35967160, 36196035); Observed in the heterozygous state in individuals with breast cancer and colorectal cancer in published literature (PMID: 33980861, 31263571, 32860789, 28912133); This variant is associated with the following publications: (PMID: 30753826, 30859360, 27713038, 27329137, 29641532, 31243857, 30877237, 29105096, 28912133, 32860789, 33980861, 31263571, 26553438, Gomez2021[article], 8990169, 9045706, 9705289, 33087284, 30552997, 37910143, 37453563, 35967160, 36196035, 37886874)

Quest Diagnostics Nichols Institute San Juan Capistrano
Classification: Likely pathogenic. Last evaluated: 2025-07-28. Review status: criteria provided, single submitter. Criteria: Quest Diagnostics criteria. Collection method: clinical testing. Allele origin: unknown.
Comment: The NTHL1 c.859C>T (p.Gln287*) variant is predicted to cause the premature termination of NTHL1 protein synthesis. Although this variant is located in the last exon of NTHL1 gene and thereby not expected to undergo nonsense-mediated decay, a functional study indicated this variant significantly reduced the DNA glycosylase activity of the NTHL1 protein in vitro (PMID: 30552997 (2019)). In the published literature, this variant has been reported in combination with a second deleterious NTHL1 variant in individuals with colorectal cancer and polyps (PMID: 30753826 (2019), 27329137 (2016)). In the heterozygous state, this variant has been reported in individuals with breast cancer (PMID: 33980861 (2021), 31263571 (2019)) and colorectal cancer (PMID: 32860789 (2020), 27329137 (2016)). This variant has also been observed in reportedly unaffected individuals (PMID: 33980861 (2021), 29641532 (2018)). The frequency of this variant in the general population (Genome Aggregation Database) is uninformative in the assessment of its pathogenicity. Based on the available information, this variant is classified as likely pathogenic.

Center for Genomic Medicine, Rigshospitalet, Copenhagen University Hospital
Classification: Pathogenic. Last evaluated: 2025-03-04. Review status: criteria provided, single submitter. Criteria: ACMG Guidelines, 2015. Collection method: clinical testing. Allele origin: germline.

Ambry Genetics
Classification: Pathogenic for Hereditary cancer-predisposing syndrome. Last evaluated: 2024-08-19. Review status: criteria provided, single submitter. Criteria: Ambry Variant Classification Scheme 2023. Collection method: clinical testing. Allele origin: germline.
Comment: The p.Q287* pathogenic mutation (also known as c.859C>T), located in coding exon 6 of the NTHL1 gene, results from a C to T substitution at nucleotide position 859. This changes the amino acid from a glutamine to a stop codon within coding exon 6. In two studies, this alteration was reported in conjunction with the same NTHL1 pathogenic variant in an individual with early-onset rectal cancer and in an individual with polyposis; however, the phase (whether in cis or trans) was not determined in either case (Chubb D et al. Nat Commun, 2016 06;7:11883; Broderick P et al. Gastroenterology, 2017 01;152:75-77.e4). This alteration was also reported as a germline variant in a breast cancer patient whose tumor showed loss of heterozygosity (Drost J et al. Science, 2017 10;358:234-238). In addition, this variant has been identified in trans with a pathogenic NTHL1 variant or in the homozygous state in probands with polyposis and/or colorectal cancer ((Grolleman JE et al. Cancer Cell, 2019 02;35:256-266.e5; Ambry internal data, personal communication with external laboratory). Recently, this alteration was shown to have reduced DNA glycosylase activity compared to wild-type NTHL1 in an in vitro functional study (Shinmura K et al. Free Radic. Biol. Med., 2019 02;131:264-273). This alteration occurs at the 3' terminus of theNTHL1 gene, is not expected to trigger nonsense-mediated mRNAdecay, and only impacts the last 26 amino acids of the protein. However, based on internal structural analysis, this truncation disrupts the endonuclease III domain of NTHL1, including an iron-sulfur cluster binding region important to proper function (Fromme JC et al. EMBO J, 2003 Jul;22:3461-71; Barton JK et al. Annu Rev Biochem, 2019 06;88:163-190; Das L et al. DNA Repair (Amst), 2020 09;93:102920). Based on the supporting evidence, this alteration is interpreted as a disease-causing mutation.

Mayo Clinic Laboratories, Mayo Clinic
Classification: Likely pathogenic. Last evaluated: 2024-04-15. Review status: criteria provided, single submitter. Criteria: ACMG Guidelines, 2015. Collection method: clinical testing. Allele origin: germline. Observed: 1 variant allele.
Comment: PM3, PVS1_strong

Baylor Genetics
Classification: Likely pathogenic for Familial adenomatous polyposis 3. Last evaluated: 2024-03-24. Review status: criteria provided, single submitter. Criteria: ACMG Guidelines, 2015. Collection method: clinical testing. Allele origin: unknown.

Myriad Genetics, Inc.
Classification: Pathogenic for Familial adenomatous polyposis 3. Last evaluated: 2023-09-05. Review status: criteria provided, single submitter. Criteria: Myriad Autosomal Dominant, Autosomal Recessive and X-Linked Classification Criteria (2023). Collection method: clinical testing. Allele origin: unknown.
Comment: This variant is considered pathogenic. This variant creates a termination codon and is predicted to result in premature protein truncation.